The following is an entry in ClinVar:

NM_052865.4(MGME1):c.512-6T>C

Gene: MGME1 (mitochondrial genome maintenance exonuclease 1; plus strand). Cytogenetic location: 20p11.23.
Variant type: single nucleotide variant.
Coding change: c.512-6T>C on transcript NM_052865.4 (MANE Select); 6 bases into the intron before coding-DNA position 512, T replaced by C.
Molecular consequence: intron variant.
Genome position (GRCh38, 1-based): chr20:17,975,678, T>C. VCF-style: chr20-17975678-T-C. GRCh37 (hg19) VCF-style: chr20-17956321-T-C.
Other names: p.?; c.557-6T>C (NM_001310338.2); c.511+5308T>C (NM_001310339.2); c.272-6T>C (NM_001363738.2).
Identifiers: ClinVar variation 380093 (VCV000380093.13), dbSNP rs187384774, ClinGen allele CA9774965.

ClinVar aggregate classification (germline): Benign/Likely benign. Review status: criteria provided, multiple submitters, no conflicts (2 of 4 stars). 3 submissions from 3 submitters: Benign (2); Likely benign (1). Last evaluated 2025-12-15.

Allele frequency attached by ClinVar (database versions not stated): gnomAD exomes 0.00023 and 0.00067; ExAC 0.00082; 1000 Genomes Project 0.00180; 1000 Genomes Project 30x 0.00203; gnomAD 0.00228 and 0.00246; TOPMed 0.00264; ESP Exome Variant Server 0.00384.
gnomAD v4.1: 683 of 1,609,716 alleles (0.042%); highest among the groups gnomAD compares: African/African-American, 0.85%; 6 homozygotes.

Submissions (3):

Labcorp Genetics (formerly Invitae), Labcorp
Classification: Benign. Last evaluated: 2025-12-15. Review status: criteria provided, single submitter. Criteria: Invitae Variant Classification Sherloc (09022015). Collection method: clinical testing. Allele origin: germline.

Mayo Clinic Laboratories, Mayo Clinic
Classification: Likely benign. Last evaluated: 2025-09-19. Review status: criteria provided, single submitter. Criteria: ACMG Guidelines, 2015. Collection method: clinical testing. Allele origin: germline. Observed: 2 variant alleles.
Comment: BS1, BP4, BP7

GeneDx
Classification: Benign. Last evaluated: 2020-04-23. Review status: criteria provided, single submitter. Criteria: GeneDx Variant Classification Process June 2021. Collection method: clinical testing. Allele origin: germline. Affected: yes.